The following is an entry in ClinVar:

ClinVar aggregate classification (germline): Uncertain significance (1 of 4 stars; one submission).

Conditions:
Immunodeficiency 104. Also called: Severe combined immunodeficiency, autosomal recessive, T cell-negative, B cell-positive, NK cell-positive; IMMUNODEFICIENCY 104, SEVERE COMBINED; SCID, AUTOSOMAL RECESSIVE, T CELL-NEGATIVE, B CELL-POSITIVE, NK CELL-POSITIVE; Severe Combined Immune Deficiency, Autosomal Recessive, TCell -Negative, B Cell-Positive, NK Cell-Positive, IL7R-Related. Identifiers: MedGen C5676890, MONDO:0012163, OMIM 608971.

Submission:

Labcorp Genetics (formerly Invitae), Labcorp
Classification: Uncertain significance for Immunodeficiency 104. Last evaluated: 2024-01-23. Review status: criteria provided, single submitter. Criteria: Invitae Variant Classification Sherloc (09022015). Collection method: clinical testing. Allele origin: germline.
Comment: This sequence change replaces asparagine, which is neutral and polar, with aspartic acid, which is acidic and polar, at codon 49 of the IL7R protein (p.Asn49Asp). This variant is not present in population databases (gnomAD no frequency). This variant has not been reported in the literature in individuals affected with IL7R-related conditions. Advanced modeling of protein sequence and biophysical properties (such as structural, functional, and spatial information, amino acid conservation, physicochemical variation, residue mobility, and thermodynamic stability) performed at Invitae indicates that this missense variant is not expected to disrupt IL7R protein function with a negative predictive value of 80%. In summary, the available evidence is currently insufficient to determine the role of this variant in disease. Therefore, it has been classified as a Variant of Uncertain Significance.

NM_002185.5(IL7R):c.145A>G (p.Asn49Asp)

Gene: IL7R (interleukin 7 receptor; plus strand). Cytogenetic location: 5p13.2.
Variant type: single nucleotide variant.
Coding change: c.145A>G on transcript NM_002185.5 (MANE Select); coding-DNA position 145, A replaced by G.
Protein change: p.Asn49Asp; replaces asparagine 49 with aspartic acid.
Molecular consequence: missense variant. On other transcripts: non-coding transcript variant (1).
Genome position (GRCh38, 1-based): chr5:35,860,914, A>G. VCF-style: chr5-35860914-A-G. GRCh37 (hg19) VCF-style: chr5-35861016-A-G.
Other names: c.145A>G, p.Asn49Asp (NM_001410734.1); short protein forms N49D.
Identifiers: ClinVar variation 2693245 (VCV002693245.1), dbSNP rs2531547543, ClinGen allele CA359426796.
Genomic context (GRCh38, chr5:35,860,914, plus strand): 5'-GACTTGGAAGATGCAGAACTGGATGACTACTCATTCTCATGCTATAGCCAGTTGGAAGTG[A>G]ATGGATCGCAGCACTCACTGACCTGTGCTTTTGAGGACCCAGATGTCAACATCACCAATC-3'
Protein context (NP_002176.2, residues 39-59): SFSCYSQLEV[Asn49Asp]GSQHSLTCAF